The following is an entry in ClinVar:

ClinVar aggregate classification (germline): Uncertain significance (1 of 4 stars; one submission).

Submission:

Athena Diagnostics
Classification: Uncertain significance. Last evaluated: 2025-03-21. Review status: criteria provided, single submitter. Criteria: Athena Diagnostics Criteria. Collection method: clinical testing. Allele origin: unknown.
Comment: Available data are insufficient to determine the clinical significance of the variant at this time. This variant has not been reported in large, multi-ethnic general populations. Computational tools yielded predictions that this variant may interfere with normal RNA splicing.

NM_000426.4(LAMA2):c.908A>G (p.Asn303Ser)

Gene: LAMA2 (laminin subunit alpha 2; plus strand). Cytogenetic location: 6q22.33.
Variant type: single nucleotide variant.
Coding change: c.908A>G on transcript NM_000426.4 (MANE Select); coding-DNA position 908, A replaced by G.
Protein change: p.Asn303Ser; replaces asparagine 303 with serine.
Molecular consequence: missense variant.
Genome position (GRCh38, 1-based): chr6:129,147,047, A>G. VCF-style: chr6-129147047-A-G. GRCh37 (hg19) VCF-style: chr6-129468192-A-G.
Other names: c.908A>G, p.Asn303Ser (NM_001079823.2); short protein forms N303S.
Identifiers: ClinVar variation 4682198 (VCV004682198.1).